The following is an entry in ClinVar:

NM_002336.3(LRP6):c.2602A>G (p.Ile868Val)

Gene: LRP6 (LDL receptor related protein 6; minus strand). Cytogenetic location: 12p13.2.
Variant type: single nucleotide variant.
Coding change: c.2602A>G on transcript NM_002336.3 (MANE Select); coding-DNA position 2602, A replaced by G.
Protein change: p.Ile868Val; replaces isoleucine 868 with valine.
Molecular consequence: missense variant. On other transcripts: non-coding transcript variant (1).
Genome position (GRCh38, 1-based): chr12:12,159,018, T>C on the plus strand (A>G on the coding strand, the complement: LRP6 is on the minus strand). VCF-style: chr12-12159018-T-C. GRCh37 (hg19) VCF-style: chr12-12311952-T-C.
Other names: c.2404A>G, p.Ile802Val (NM_001414247.1); c.2602A>G, p.Ile868Val (NM_001414248.1, NM_001414249.1, NM_001414250.1 and 4 more transcripts); c.2149A>G, p.Ile717Val (NM_001414252.1, NM_001414253.1, NM_001414254.1); c.2095A>G, p.Ile699Val (NM_001414255.1); short protein forms I699V, I717V, I802V, I868V.
Identifiers: ClinVar variation 3615258 (VCV003615258.2).

ClinVar aggregate classification (germline): Uncertain significance (1 of 4 stars; one submission).

gnomAD v4.1: 24 of 1,614,090 alleles (0.0015%); highest among the groups gnomAD compares: Middle Eastern, 0.016%; no homozygotes.

Submission:

Labcorp Genetics (formerly Invitae), Labcorp
Classification: Uncertain significance. Last evaluated: 2025-08-22. Review status: criteria provided, single submitter. Criteria: Invitae Variant Classification Sherloc (09022015). Collection method: clinical testing. Allele origin: germline.
Comment: This sequence change replaces isoleucine, which is neutral and non-polar, with valine, which is neutral and non-polar, at codon 868 of the LRP6 protein (p.Ile868Val). This variant is present in population databases (rs753471672, gnomAD 0.0009%). This variant has not been reported in the literature in individuals affected with LRP6-related conditions. ClinVar contains an entry for this variant (Variation ID: 3615258). Invitae Evidence Modeling of protein sequence and biophysical properties (such as structural, functional, and spatial information, amino acid conservation, physicochemical variation, residue mobility, and thermodynamic stability) indicates that this missense variant is not expected to disrupt LRP6 protein function with a negative predictive value of 80%. In summary, the available evidence is currently insufficient to determine the role of this variant in disease. Therefore, it has been classified as a Variant of Uncertain Significance.